The following is an entry in ClinVar:

NM_001848.3(COL6A1):c.*575A>G

Gene: COL6A1 (collagen type VI alpha 1 chain; plus strand). Cytogenetic location: 21q22.3.
Variant type: single nucleotide variant.
Coding change: c.*575A>G on transcript NM_001848.3 (MANE Select); 575 bases downstream of the stop codon, A replaced by G.
Molecular consequence: 3 prime UTR variant.
Genome position (GRCh38, 1-based): chr21:46,004,588, A>G. VCF-style: chr21-46004588-A-G. GRCh37 (hg19) VCF-style: chr21-47424502-A-G.
Identifiers: ClinVar variation 340346 (VCV000340346.5), dbSNP rs183666840, ClinGen allele CA10653081.

ClinVar aggregate classification (germline): Benign (1 of 4 stars; one submission).

Conditions:
Collagen 6-related myopathy. Identifiers: MedGen CN117976, MONDO:0100225.

Allele frequency attached by ClinVar (database versions not stated): gnomAD exomes 0.00028; gnomAD 0.00232 and 0.00247; TOPMed 0.00258; 1000 Genomes Project 0.00300; 1000 Genomes Project 30x 0.00328.

Submission:

Illumina Laboratory Services, Illumina
Classification: Benign for Collagen VI-related myopathy. Last evaluated: 2018-01-12. Review status: criteria provided, single submitter. Criteria: ICSL Variant Classification Criteria 13 December 2019. Collection method: clinical testing. Allele origin: germline.
Comment: This variant was observed in the ICSL laboratory as part of a predisposition screen in an ostensibly healthy population. It had not been previously curated by ICSL or reported in the Human Gene Mutation Database (HGMD: prior to June 1st, 2018), and was therefore a candidate for classification through an automated scoring system. Utilizing variant allele frequency, disease prevalence and penetrance estimates, and inheritance mode, an automated score was calculated to assess if this variant is too frequent to cause the disease. Based on the score and internal cut-off values, a variant classified as benign is not then subjected to further curation. The score for this variant resulted in a classification of benign for this disease.